The following is an entry in ClinVar:

NM_000038.6(APC):c.321T>A (p.Ser107=)

Gene: APC (APC regulator of Wnt signaling pathway; plus strand). Cytogenetic location: 5q22.2.
Variant type: single nucleotide variant.
Coding change: c.321T>A on transcript NM_000038.6 (MANE Select); coding-DNA position 321, T replaced by A.
Protein change: p.Ser107=; no amino-acid change (serine 107 retained).
Molecular consequence: synonymous variant. On other transcripts: 5 prime UTR variant (4), non-coding transcript variant (2).
Genome position (GRCh38, 1-based): chr5:112,767,289, T>A. VCF-style: chr5-112767289-T-A. GRCh37 (hg19) VCF-style: chr5-112102986-T-A.
Other names: c.321T>A, p.Ser107= (NM_001127510.3, NM_001354895.2, NM_001354896.2 and 16 more transcripts); c.351T>A, p.Ser117= (NM_001127511.3, NM_001354897.2, NM_001354902.2 and 1 more transcripts); c.246T>A, p.Ser82= (NM_001354898.2, NM_001354904.2, NM_001407451.1); c.144T>A, p.Ser48= (NM_001354900.2, NM_001354901.2, NM_001354905.2 and 1 more transcripts); c.-715T>A (NM_001354906.2, NM_001407470.1, NM_001407471.1 and 1 more transcripts).
Identifiers: ClinVar variation 3148065 (VCV003148065.1), dbSNP rs2149788709, ClinGen allele CA445753341.

ClinVar aggregate classification (germline): Benign (1 of 4 stars; one submission).

Conditions:
Familial adenomatous polyposis 1 (FAP1). Also called: POLYPOSIS, ADENOMATOUS INTESTINAL; FAMILIAL ADENOMATOUS POLYPOSIS 1, ATTENUATED. Identifiers: MedGen C2713442, MONDO:0021056, OMIM 175100. Disease mechanism: loss of function.

Submission:

Myriad Genetics, Inc.
Classification: Benign for Familial adenomatous polyposis 1. Last evaluated: 2024-02-22. Review status: criteria provided, single submitter. Criteria: Myriad Autosomal Dominant, Autosomal Recessive and X-Linked Classification Criteria (2023). Collection method: clinical testing. Allele origin: unknown.
Comment: This variant is considered benign. This variant is a silent/synonymous amino acid change and it is not expected to impact splicing.